The following is an entry in ClinVar:

ClinVar aggregate classification (germline): Likely pathogenic (1 of 4 stars; one submission).

Conditions:
Severe combined immunodeficiency due to DCLRE1C deficiency (RS-SCID). Also called: SCID, AUTOSOMAL RECESSIVE, T CELL-NEGATIVE, B CELL-NEGATIVE, NK CELL-POSITIVE, WITH SENSITIVITY TO IONIZING RADIATION. Identifiers: Orphanet 275, MedGen C1865371, MONDO:0011225, OMIM 602450.

Allele frequency attached by ClinVar (database versions not stated): ESP Exome Variant Server 0.00008; TOPMed below 0.00001; ExAC 0.00001; gnomAD 0.00001.
gnomAD v4.1: 1 of 1,611,314 alleles (0.000062%); highest among the groups gnomAD compares: African/African-American, 0.0013%; no homozygotes.

Submission:

Labcorp Genetics (formerly Invitae), Labcorp
Classification: Likely pathogenic for Athabaskan severe combined immunodeficiency. Last evaluated: 2019-07-06. Review status: criteria provided, single submitter. Criteria: Invitae Variant Classification Sherloc (09022015). Collection method: clinical testing. Allele origin: germline.
Comment: Donor and acceptor splice site variants typically lead to a loss of protein function (PMID: 16199547), and loss-of-function variants in DCLRE1C are known to be pathogenic (PMID: 21664875, 26123418). In summary, the currently available evidence indicates that the variant is pathogenic, but additional data are needed to prove that conclusively. Therefore, this variant has been classified as Likely Pathogenic. Algorithms developed to predict the effect of sequence changes on RNA splicing suggest that this variant may disrupt the consensus splice site, but this prediction has not been confirmed by published transcriptional studies. This sequence change affects an acceptor splice site in intron 2 of the DCLRE1C gene. It is expected to disrupt RNA splicing and likely results in an absent or disrupted protein product. This variant is present in population databases (rs149090997, ExAC 0.01%). This variant has not been reported in the literature in individuals with DCLRE1C-related conditions.

Literature cited by the submitters: PubMed 16199547; PubMed 21664875; PubMed 26123418.

NM_001033855.3(DCLRE1C):c.162-1G>T

Gene: DCLRE1C (DNA cross-link repair 1C; minus strand). Cytogenetic location: 10p13.
Variant type: single nucleotide variant.
Coding change: c.162-1G>T on transcript NM_001033855.3 (MANE Select); the canonical splice acceptor site of the intron before coding-DNA position 162, G replaced by T.
Molecular consequence: splice acceptor variant. On other transcripts: intron variant (1).
Genome position (GRCh38, 1-based): chr10:14,945,190, C>A on the plus strand (G>T on the coding strand, the complement: DCLRE1C is on the minus strand). VCF-style: chr10-14945190-C-A. GRCh37 (hg19) VCF-style: chr10-14987189-C-A.
Other names: c.-128-1G>T (NM_001350966.2, NM_001289078.2, NM_022487.4); c.162-1G>T (NM_001350965.2); c.-199-1G>T (NM_001350967.2, NM_001289077.2, NM_001033857.3); c.-44+3846G>T (NM_001289076.2); c.-521-1G>T (NM_001289079.2, NM_001033858.3).
Identifiers: ClinVar variation 957122 (VCV000957122.8), dbSNP rs149090997, ClinGen allele CA5416983.